The following is an entry in ClinVar:

ClinVar aggregate classification (germline): Uncertain significance (1 of 4 stars; one submission).

Conditions:
Autosomal dominant limb-girdle muscular dystrophy type 1D (DNAJB6) (LGMDD1). Also called: MUSCULAR DYSTROPHY, AUTOSOMAL DOMINANT, WITH RIMMED VACUOLES; MUSCULAR DYSTROPHY, LIMB-GIRDLE, TYPE 1D; Autosomal dominant limb-girdle muscular dystrophy type 1D; Muscular dystrophy, limb-girdle, autosomal dominant 1. Identifiers: Orphanet 34516, MedGen C4721885, MONDO:0021018, OMIM 603511.

Allele frequency attached by ClinVar (database versions not stated): gnomAD exomes below 0.00001.
gnomAD v4.1: 2 of 1,527,612 alleles (0.00013%); highest among the groups gnomAD compares: African/African-American, 0.0014%; no homozygotes.

Submission:

Labcorp Genetics (formerly Invitae), Labcorp
Classification: Uncertain significance for Autosomal dominant limb-girdle muscular dystrophy type 1D (DNAJB6). Last evaluated: 2022-09-15. Review status: criteria provided, single submitter. Criteria: Invitae Variant Classification Sherloc (09022015). Collection method: clinical testing. Allele origin: germline.
Comment: This variant has not been reported in the literature in individuals affected with DNAJB6-related conditions. This variant is not present in population databases (gnomAD no frequency). This sequence change replaces aspartic acid, which is acidic and polar, with asparagine, which is neutral and polar, at codon 234 of the DNAJB6 protein (p.Asp234Asn). In summary, the available evidence is currently insufficient to determine the role of this variant in disease. Therefore, it has been classified as a Variant of Uncertain Significance. Advanced modeling of protein sequence and biophysical properties (such as structural, functional, and spatial information, amino acid conservation, physicochemical variation, residue mobility, and thermodynamic stability) performed at Invitae indicates that this missense variant is not expected to disrupt DNAJB6 protein function.

NM_058246.4(DNAJB6):c.700G>A (p.Asp234Asn)

Gene: DNAJB6 (DnaJ heat shock protein family (Hsp40) member B6; plus strand). Cytogenetic location: 7q36.3.
Variant type: single nucleotide variant.
Coding change: c.700G>A on transcript NM_058246.4 (MANE Select); coding-DNA position 700, G replaced by A.
Protein change: p.Asp234Asn; replaces aspartic acid 234 with asparagine.
Molecular consequence: missense variant.
Genome position (GRCh38, 1-based): chr7:157,409,803, G>A. VCF-style: chr7-157409803-G-A. GRCh37 (hg19) VCF-style: chr7-157202497-G-A.
Other names: c.355G>A, p.Asp119Asn (NM_001363676.1); short protein forms D234N, D119N.
Identifiers: ClinVar variation 1951220 (VCV001951220.5), dbSNP rs1295546520, ClinGen allele CA370167155.
Genomic context (GRCh38, chr7:157,409,803, plus strand): 5'-GGCCGGCCGCCGCCGCTCACTCACGGCTCTCTCTCTCCCGCTGTGCCTGCAGGTGTGGCC[G>A]ACGACGATGCCCTCGCTGAGGAGCGCATGCGGAGAGGCCAGAACGCCCTGCCAGCCCAGC-3'
Protein context (NP_490647.1, residues 224-244): LKSLTINGVA[Asp234Asn]DDALAEERMR